The following is an entry in ClinVar:

NM_000350.3(ABCA4):c.4773+1G>T

Genes: ABCA4 (ATP binding cassette subfamily A member 4; minus strand), LOC126805793 (CDK7 strongly-dependent group 2 enhancer GRCh37_chr1:94486302-94487501; plus strand). Cytogenetic location: 1p22.1.
Variant type: single nucleotide variant.
Coding change: c.4773+1G>T on transcript NM_000350.3 (MANE Select); the canonical splice donor site of the intron after coding-DNA position 4773, G replaced by T.
Molecular consequence: splice donor variant.
Genome position (GRCh38, 1-based): chr1:94,021,845, C>A on the plus strand (G>T on the coding strand, the complement: ABCA4 is on the minus strand). VCF-style: chr1-94021845-C-A. GRCh37 (hg19) VCF-style: chr1-94487401-C-A.
Identifiers: ClinVar variation 99317 (VCV000099317.12), dbSNP rs61751376, ClinGen allele CA227235.

ClinVar aggregate classification (germline): Pathogenic. Review status: criteria provided, multiple submitters, no conflicts (2 of 4 stars). 4 submissions from 4 submitters: Pathogenic (3). 1 of the submissions does not count toward it. Last evaluated 2025-10-15.

Conditions:
ABCA4-related disorder. Also called: ABCA4-related disorders; ABCA4-related condition. Identifiers: MedGen CN239167.
Retinal disorder. Also called: Retinopathies; Retinal Diseases; Retinal disorders; Retinopathy. Identifiers: MedGen C0035309, MONDO:0005283, HP:0000488.

Allele frequency attached by ClinVar (database versions not stated): TOPMed 0.00001.
gnomAD v4.1: 1 of 1,614,066 alleles (0.000062%); highest among the groups gnomAD compares: East Asian, 0.0022%; no homozygotes.

Submissions (4):

Genetics Laboratory, Great Ormond Street Hospital NHS Foundation Trust, North Thames Genomic Laboratory Hub
Classification: Pathogenic for Retinal disorders. Last evaluated: 2025-10-15. Review status: criteria provided, single submitter. Criteria: ACGS Best Practice Guidelines for Variant Classification in Rare Disease 2024 v1.2. Collection method: clinical testing. Allele origin: germline. Affected: yes.
Comment: PM2_moderate, PVS1_very-strong, PM3_moderate

Labcorp Genetics (formerly Invitae), Labcorp
Classification: Pathogenic. Last evaluated: 2025-10-11. Review status: criteria provided, single submitter. Criteria: Invitae Variant Classification Sherloc (09022015). Collection method: clinical testing. Allele origin: germline.
Comment: This sequence change affects a donor splice site in intron 33 of the ABCA4 gene. It is expected to disrupt RNA splicing. Variants that disrupt the donor or acceptor splice site typically lead to a loss of protein function (PMID: 16199547), and loss-of-function variants in ABCA4 are known to be pathogenic (PMID: 10958761, 24938718, 25312043, 26780318). This variant is not present in population databases (gnomAD no frequency). Disruption of this splice site has been observed in individuals with inherited retinal dystrophy (PMID: 23755871, 26161775, 28341476). ClinVar contains an entry for this variant (Variation ID: 99317). Algorithms developed to predict the effect of sequence changes on RNA splicing suggest that this variant may disrupt the consensus splice site. For these reasons, this variant has been classified as Pathogenic.

Blueprint Genetics
Classification: Pathogenic for ABCA4-related disorders. Last evaluated: 2022-09-28. Review status: criteria provided, single submitter. Criteria: ACMG Guidelines, 2015. Collection method: clinical testing. Allele origin: germline. Affected: yes. Observed: 3 variant alleles.

Retina International
No classification provided. Review status: no classification provided. Collection method: not provided. Allele origin: not provided. Not counted in ClinVar's aggregate classification.

Literature cited by the submitters: PubMed 16199547 (cited by Labcorp Genetics (formerly Invitae), Labcorp); PubMed 10958761 (cited by Labcorp Genetics (formerly Invitae), Labcorp); PubMed 24938718 (cited by Labcorp Genetics (formerly Invitae), Labcorp); PubMed 25312043 (cited by Labcorp Genetics (formerly Invitae), Labcorp); PubMed 26780318 (cited by Labcorp Genetics (formerly Invitae), Labcorp); PubMed 23755871 (cited by Labcorp Genetics (formerly Invitae), Labcorp); PubMed 26161775 (cited by Labcorp Genetics (formerly Invitae), Labcorp); PubMed 28341476 (cited by Labcorp Genetics (formerly Invitae), Labcorp).